The following is an entry in ClinVar:

ClinVar aggregate classification (germline): Pathogenic (1 of 4 stars; one submission).

Conditions:
Deafness-lymphedema-leukemia syndrome. Also called: Lymphedema, primary, with myelodysplasia; Emberger syndrome. Identifiers: Orphanet 3226, MedGen C3279664, MONDO:0013540, OMIM 614038.
Monocytopenia with susceptibility to infections. Also called: MONOCYTOPENIA AND MYCOBACTERIAL INFECTION SYNDROME; MONOCYTOPENIA WITH SUSCEPTIBILITY TO MYCOBACTERIAL, FUNGAL, AND PAPILLOMAVIRUS INFECTIONS AND MYELODYSPLASIA; COMBINED IMMUNODEFICIENCY WITH SUSCEPTIBILITY TO MYCOBACTERIAL, VIRAL, AND FUNGAL INFECTIONS; Dendritic cell, monocyte, B lymphocyte, and natural killer lymphocyte deficiency; IMMUNODEFICIENCY 21; GATA2 DEFICIENCY. Identifiers: Orphanet 228423, MedGen C3280030, MONDO:0013607, OMIM 614172.

Submission:

Labcorp Genetics (formerly Invitae), Labcorp
Classification: Pathogenic for Monocytopenia with susceptibility to infections; Deafness-lymphedema-leukemia syndrome. Last evaluated: 2023-04-27. Review status: criteria provided, single submitter. Criteria: Invitae Variant Classification Sherloc (09022015). Collection method: clinical testing. Allele origin: germline.
Comment: For these reasons, this variant has been classified as Pathogenic. This variant disrupts a region of the GATA2 protein in which other variant(s) (p.Thr354Met) have been determined to be pathogenic (PMID: 21670465, 21892162, 23365458, 25676417). This suggests that this is a clinically significant region of the protein, and that variants that disrupt it are likely to be disease-causing. This variant has not been reported in the literature in individuals affected with GATA2-related conditions. This variant is not present in population databases (gnomAD no frequency). This sequence change creates a premature translational stop signal (p.Thr347Hisfs*37) in the GATA2 gene. While this is not anticipated to result in nonsense mediated decay, it is expected to disrupt the last 34 amino acid(s) of the GATA2 protein.

Literature cited by the submitters: PubMed 21670465; PubMed 21892162; PubMed 23365458; PubMed 25676417.

NM_032638.5(GATA2):c.1038dup (p.Thr347fs)

Gene: GATA2 (GATA binding protein 2; minus strand). Cytogenetic location: 3q21.3.
Variant type: Duplication.
Coding change: c.1038dup on transcript NM_032638.5 (MANE Select); coding-DNA position 1038, one base duplicated (C; older notation c.1038dupC).
Protein change: p.Thr347fs; shifts the reading frame from threonine 347.
Molecular consequence: frameshift variant. On other transcripts: intron variant (1).
Genome position (GRCh38, 1-based): chr3:128,481,924, G duplicated on the plus strand (C on the coding strand, the reverse complement: GATA2 is on the minus strand). VCF-style (leftmost placement, unchanged base first): chr3-128481923-T-TG. GRCh37 (hg19) VCF-style: chr3-128200766-T-TG.
Other names: c.1038dup, p.Thr347fs (NM_001145661.2); c.1018-22dup (NM_001145662.1); short protein forms T347fs.
Identifiers: ClinVar variation 2947213 (VCV002947213.3), dbSNP rs2472921118, ClinGen allele CA2740090996.